The following is an entry in ClinVar:

NM_001146334.2(NACAD):c.1974G>A (p.Lys658=)

Gene: NACAD (NAC alpha domain containing; minus strand). Cytogenetic location: 7p13.
Variant type: single nucleotide variant.
Coding change: c.1974G>A on transcript NM_001146334.2 (MANE Select); coding-DNA position 1974, G replaced by A.
Protein change: p.Lys658=; no amino-acid change (lysine 658 retained).
Molecular consequence: synonymous variant.
Genome position (GRCh38, 1-based): chr7:45,084,206, C>T on the plus strand (G>A on the coding strand, the complement: NACAD is on the minus strand). VCF-style: chr7-45084206-C-T. GRCh37 (hg19) VCF-style: chr7-45123805-C-T.
Identifiers: ClinVar variation 2657448 (VCV002657448.24), dbSNP rs762864204, ClinGen allele CA4247607.

ClinVar aggregate classification (germline): Likely benign (1 of 4 stars; one submission).

Allele frequency attached by ClinVar (database versions not stated): gnomAD 0.00217; ExAC 0.01444.

Submission:

CeGaT Center for Human Genetics Tuebingen
Classification: Likely benign. Last evaluated: 2023-04-01. Review status: criteria provided, single submitter. Criteria: CeGaT Center For Human Genetics Tuebingen Variant Classification Criteria Version 2. Collection method: clinical testing. Allele origin: germline. Affected: yes. Observed: 1 variant allele.
Comment: NACAD: BP4, BP7, BS2